The following is an entry in ClinVar:

ClinVar aggregate classification (germline): Uncertain significance (1 of 4 stars; one submission).

Conditions:
Anterior segment dysgenesis 3 (ASGD3). Also called: Glaucoma iridogoniodysplasia, familial; IRIDOGONIODYSGENESIS ANOMALY, AUTOSOMAL DOMINANT. Identifiers: Orphanet 91483, MedGen C5975707, MONDO:0024456, OMIM 601631.

Submission:

3billion
Classification: Uncertain significance for Anterior segment dysgenesis 3. Last evaluated: 2022-01-03. Review status: criteria provided, single submitter. Criteria: ACMG Guidelines, 2015. Collection method: clinical testing. Allele origin: germline. Affected: yes. Observed: 1 heterozygote.
Comment: Inframe insertion located in a nonrepeat region: predicted to change the length of the protein and disrupt normal protein function (PM4_M). It is not observed in the gnomAD v2.1.1 dataset (PM2_M).Therefore, this variant is classified as uncertain significance according to the recommendation of ACMG/AMP guideline.

NM_001453.3(FOXC1):c.337_339dup (p.Pro113dup)

Gene: FOXC1 (forkhead box C1; plus strand). Cytogenetic location: 6p25.3.
Variant type: Duplication.
Coding change: c.337_339dup on transcript NM_001453.3 (MANE Select); coding-DNA positions 337 to 339, 3 bases duplicated (CCC; older notation c.337_339dupCCC).
Protein change: p.Pro113dup; duplicates proline 113.
Molecular consequence: inframe insertion.
Genome position (GRCh38, 1-based): chr6:1,610,782-1,610,784, CCC duplicated; duplicating any 3 consecutive bases within chr6:1,610,781-1,610,784 gives the same sequence; the c. name uses the placement nearest the transcript's 3' end. VCF-style (leftmost placement, unchanged base first): chr6-1610780-T-TCCC. GRCh37 (hg19) VCF-style: chr6-1611015-T-TCCC.
Identifiers: ClinVar variation 1333591 (VCV001333591.1), dbSNP rs2113111517, ClinGen allele CA2573052641.